The following is an entry in ClinVar:

ClinVar aggregate classification (germline): Uncertain significance. Review status: criteria provided, multiple submitters, no conflicts (2 of 4 stars). 2 submissions from 2 submitters: Uncertain significance (2). Last evaluated 2025-11-27.

Conditions:
Congenital hyperammonemia, type I. Also called: CPS 1 deficiency; Carbamyl phosphate synthetase (CPS) deficiency; Carbamoyl phosphate synthetase I deficiency disease; CPS I DEFICIENCY; Carbamoyl phosphate synthetase 1 deficiency; Hyperammonemia due to carbamoyl phosphate synthetase 1 deficiency. Identifiers: Orphanet 147, MedGen C4082171, MONDO:0009376, OMIM 237300.
Inborn genetic diseases. Identifiers: MedGen C0950123, MeSH D030342.

Allele frequency attached by ClinVar (database versions not stated): gnomAD exomes 0.00001; TOPMed 0.00001; ExAC 0.00003.

Submissions (2):

Labcorp Genetics (formerly Invitae), Labcorp
Classification: Uncertain significance for Congenital hyperammonemia, type I. Last evaluated: 2025-11-27. Review status: criteria provided, single submitter. Criteria: Invitae Variant Classification Sherloc (09022015). Collection method: clinical testing. Allele origin: germline.
Comment: This sequence change replaces threonine, which is neutral and polar, with isoleucine, which is neutral and non-polar, at codon 1455 of the CPS1 protein (p.Thr1455Ile). This variant is present in population databases (rs760598266, gnomAD 0.004%). This variant has not been reported in the literature in individuals affected with CPS1-related conditions. ClinVar contains an entry for this variant (Variation ID: 2155736). Invitae Evidence Modeling of protein sequence and biophysical properties (such as structural, functional, and spatial information, amino acid conservation, physicochemical variation, residue mobility, and thermodynamic stability) indicates that this missense variant is not expected to disrupt CPS1 protein function with a negative predictive value of 95%. In summary, the available evidence is currently insufficient to determine the role of this variant in disease. Therefore, it has been classified as a Variant of Uncertain Significance.

Ambry Genetics
Classification: Uncertain significance for Inborn genetic diseases. Last evaluated: 2025-05-06. Review status: criteria provided, single submitter. Criteria: Ambry Variant Classification Scheme 2023. Collection method: clinical testing. Allele origin: germline.

NM_001875.5(CPS1):c.4364C>T (p.Thr1455Ile)

Gene: CPS1 (carbamoyl-phosphate synthase 1; plus strand). Cytogenetic location: 2q34.
Variant type: single nucleotide variant.
Coding change: c.4364C>T on transcript NM_001875.5 (MANE Select); coding-DNA position 4364, C replaced by T.
Protein change: p.Thr1455Ile; replaces threonine 1455 with isoleucine.
Molecular consequence: missense variant. On other transcripts: non-coding transcript variant (2).
Genome position (GRCh38, 1-based): chr2:210,677,096, C>T. VCF-style: chr2-210677096-C-T. GRCh37 (hg19) VCF-style: chr2-211541820-C-T.
Other names: c.4364C>T, p.Thr1455Ile (NM_001122633.3, NM_001369257.1); c.4397C>T, p.Thr1466Ile (NM_001369256.1); short protein forms T1455I, T1466I.
Identifiers: ClinVar variation 2155736 (VCV002155736.3), dbSNP rs760598266, ClinGen allele CA2087269.